The following is an entry in ClinVar:

ClinVar aggregate classification (germline): Likely benign. Review status: criteria provided, multiple submitters, no conflicts (2 of 4 stars). 2 submissions from 2 submitters: Likely benign (2). Last evaluated 2025-08-29.

Conditions:
Autosomal dominant nocturnal frontal lobe epilepsy 5. Also called: Epilepsy, nocturnal frontal lobe, 5; CILIARY DYSKINESIA, PRIMARY, 28, WITHOUT SITUS INVERSUS; CILIARY DYSKINESIA, PRIMARY, 28, WITH SITUS INVERSUS; KCNT1-Related Epilepsy. Identifiers: Orphanet 98784, MedGen C3554306, MONDO:0014002, OMIM 615005.
Developmental and epileptic encephalopathy, 14 (DEE14). Also called: Early infantile epileptic encephalopathy 14. Identifiers: Orphanet 293181, MedGen C3554195, MONDO:0013989, OMIM 614959.

Allele frequency attached by ClinVar (database versions not stated): gnomAD 0.00003 and 0.00004; TOPMed 0.00004.
gnomAD v4.1: 55 of 1,550,626 alleles (0.0035%); highest among the groups gnomAD compares: African/African-American, 0.0082%; no homozygotes.

Submissions (2):

Labcorp Genetics (formerly Invitae), Labcorp
Classification: Likely benign for Autosomal dominant nocturnal frontal lobe epilepsy 5; Developmental and epileptic encephalopathy, 14. Last evaluated: 2025-08-29. Review status: criteria provided, single submitter. Criteria: Invitae Variant Classification Sherloc (09022015). Collection method: clinical testing. Allele origin: germline.

GeneDx
Classification: Likely benign. Last evaluated: 2017-12-20. Review status: criteria provided, single submitter. Criteria: GeneDx Variant Classification (06012015). Collection method: clinical testing. Allele origin: germline. Affected: yes.
Comment: This variant is considered likely benign or benign based on one or more of the following criteria: it is a conservative change, it occurs at a poorly conserved position in the protein, it is predicted to be benign by multiple in silico algorithms, and/or has population frequency not consistent with disease.

NM_020822.3(KCNT1):c.2523-6C>T

Gene: KCNT1 (potassium sodium-activated channel subfamily T member 1; plus strand). Cytogenetic location: 9q34.3.
Variant type: single nucleotide variant.
Coding change: c.2523-6C>T on transcript NM_020822.3 (MANE Select); 6 bases into the intron before coding-DNA position 2523, C replaced by T.
Molecular consequence: intron variant.
Genome position (GRCh38, 1-based): chr9:135,778,418, C>T. VCF-style: chr9-135778418-C-T. GRCh37 (hg19) VCF-style: chr9-138670264-C-T.
Other names: c.2388-6C>T (NM_001272003.2).
Identifiers: ClinVar variation 514132 (VCV000514132.6), dbSNP rs992509278, ClinGen allele CA201480690.